The following is an entry in ClinVar:

NM_001378030.1(CCDC78):c.931G>T (p.Glu311Ter)

Gene: CCDC78 (coiled-coil domain containing 78; minus strand). Cytogenetic location: 16p13.3.
Variant type: single nucleotide variant.
Coding change: c.931G>T on transcript NM_001378030.1 (MANE Select); coding-DNA position 931, G replaced by T.
Protein change: p.Glu311Ter; replaces glutamic acid 311 with a stop codon.
Molecular consequence: nonsense. On other transcripts: non-coding transcript variant (5).
Genome position (GRCh38, 1-based): chr16:724,344, C>A on the plus strand (G>T on the coding strand, the complement: CCDC78 is on the minus strand). VCF-style: chr16-724344-C-A. GRCh37 (hg19) VCF-style: chr16-774344-C-A.
Other names: c.931G>T, p.Glu311Ter (NM_001031737.3, NM_001378031.1); c.364G>T, p.Glu122Ter (NM_001378033.1); short protein forms E122*, E311*.
Identifiers: ClinVar variation 845172 (VCV000845172.7), dbSNP rs2040614414, ClinGen allele CA394100058.

ClinVar aggregate classification (germline): Uncertain significance (1 of 4 stars; one submission).

Conditions:
Congenital myopathy with internal nuclei and atypical cores. Also called: Myopathy, centronuclear, 4. Identifiers: Orphanet 319160, MedGen C4707232, MONDO:0013890, OMIM 614807.

Allele frequency attached by ClinVar (database versions not stated): gnomAD 0.00001 and 0.00002; TOPMed 0.00002.
gnomAD v4.1: 3 of 1,612,102 alleles (0.00019%); highest among the groups gnomAD compares: Admixed American, 0.0033%; no homozygotes.

Submission:

Labcorp Genetics (formerly Invitae), Labcorp
Classification: Uncertain significance for Congenital myopathy with internal nuclei and atypical cores. Last evaluated: 2019-01-12. Review status: criteria provided, single submitter. Criteria: Invitae Variant Classification Sherloc (09022015). Collection method: clinical testing. Allele origin: germline.
Comment: In summary, the available evidence is currently insufficient to determine the role of this variant in disease. Therefore, it has been classified as a Variant of Uncertain Significance. The current clinical and genetic evidence is not sufficient to establish whether loss-of-function variants in CCDC78 cause disease. This variant has not been reported in the literature in individuals with CCDC78-related conditions. This variant is not present in population databases (ExAC no frequency). This sequence change creates a premature translational stop signal (p.Glu311*) in the CCDC78 gene. It is expected to result in an absent or disrupted protein product.